The following is an entry in ClinVar:

NM_032776.3(JMJD1C):c.4579A>G (p.Ile1527Val)

Gene: JMJD1C (jumonji domain containing 1C; minus strand). Cytogenetic location: 10q21.3.
Variant type: single nucleotide variant.
Coding change: c.4579A>G on transcript NM_032776.3 (MANE Select); coding-DNA position 4579, A replaced by G.
Protein change: p.Ile1527Val; replaces isoleucine 1527 with valine.
Molecular consequence: missense variant. On other transcripts: non-coding transcript variant (1).
Genome position (GRCh38, 1-based): chr10:63,207,090, T>C on the plus strand (A>G on the coding strand, the complement: JMJD1C is on the minus strand). VCF-style: chr10-63207090-T-C. GRCh37 (hg19) VCF-style: chr10-64966850-T-C.
Other names: c.4579A>G (NM_032776.1); c.4033A>G, p.Ile1345Val (NM_001282948.2, NM_001318154.2); c.3715A>G, p.Ile1239Val (NM_001318153.2); c.4465A>G, p.Ile1489Val (NM_001322252.2); c.3922A>G, p.Ile1308Val (NM_001322254.2, NM_001322258.2); short protein forms I1489V, I1527V, I1239V, I1308V, I1345V.
Identifiers: ClinVar variation 658518 (VCV000658518.8), dbSNP rs371764552, ClinGen allele CA5518242.

ClinVar aggregate classification (germline): Uncertain significance. Review status: criteria provided, multiple submitters, no conflicts (2 of 4 stars). 2 submissions from 2 submitters: Uncertain significance (2). Last evaluated 2024-11-10.

Conditions:
Early Myoclonic Encephalopathy. Identifiers: MedGen C0270855.

Allele frequency attached by ClinVar (database versions not stated): gnomAD exomes 0.00001 and 0.00003; gnomAD 0.00007 and 0.00006; TOPMed 0.00005; ExAC 0.00002; ESP Exome Variant Server 0.00008.
gnomAD v4.1: 31 of 1,614,090 alleles (0.0019%); highest among the groups gnomAD compares: Admixed American, 0.022%; no homozygotes.

Submissions (2):

Labcorp Genetics (formerly Invitae), Labcorp
Classification: Uncertain significance for Early Myoclonic Encephalopathy. Last evaluated: 2024-11-10. Review status: criteria provided, single submitter. Criteria: Invitae Variant Classification Sherloc (09022015). Collection method: clinical testing. Allele origin: germline.
Comment: This sequence change replaces isoleucine, which is neutral and non-polar, with valine, which is neutral and non-polar, at codon 1527 of the JMJD1C protein (p.Ile1527Val). This variant is present in population databases (rs371764552, gnomAD 0.01%). This variant has not been reported in the literature in individuals affected with JMJD1C-related conditions. ClinVar contains an entry for this variant (Variation ID: 658518). Invitae Evidence Modeling of protein sequence and biophysical properties (such as structural, functional, and spatial information, amino acid conservation, physicochemical variation, residue mobility, and thermodynamic stability) indicates that this missense variant is not expected to disrupt JMJD1C protein function with a negative predictive value of 80%. In summary, the available evidence is currently insufficient to determine the role of this variant in disease. Therefore, it has been classified as a Variant of Uncertain Significance.

Ambry Genetics
Classification: Uncertain significance. Last evaluated: 2023-12-18. Review status: criteria provided, single submitter. Criteria: Ambry Variant Classification Scheme 2023. Collection method: clinical testing. Allele origin: germline.